The following is an entry in ClinVar:

NM_003265.3(TLR3):c.919T>G (p.Tyr307Asp)

Gene: TLR3 (toll like receptor 3; plus strand). Cytogenetic location: 4q35.1.
Variant type: single nucleotide variant.
Coding change: c.919T>G on transcript NM_003265.3 (MANE Select); coding-DNA position 919, T replaced by G.
Protein change: p.Tyr307Asp; replaces tyrosine 307 with aspartic acid.
Molecular consequence: missense variant.
Genome position (GRCh38, 1-based): chr4:186,082,605, T>G. VCF-style: chr4-186082605-T-G. GRCh37 (hg19) VCF-style: chr4-187003759-T-G.
Other names: p.Tyr307Asp; short protein forms Y307D.
Identifiers: ClinVar variation 470486 (VCV000470486.14), dbSNP rs5743317, ClinGen allele CA3161330.

ClinVar aggregate classification (germline): Benign. Review status: criteria provided, multiple submitters, no conflicts (2 of 4 stars). 3 submissions from 3 submitters: Benign (3). Last evaluated 2026-01-11.

Conditions:
Encephalopathy, acute, infection-induced (herpes-specific), susceptibility to, 1. Also called: Herpes simplex encephalitis, susceptibility to, 1. Identifiers: Orphanet 1930, MedGen C2750180, MONDO:0024563, OMIM 610551.

Allele frequency attached by ClinVar (database versions not stated): ESP Exome Variant Server 0.01138; TOPMed 0.01189; 1000 Genomes Project 0.01258; 1000 Genomes Project 30x 0.01359; gnomAD 0.01055 and 0.01113; gnomAD exomes 0.00269 and 0.00105; ExAC 0.00342.
gnomAD v4.1: 3,232 of 1,614,100 alleles (0.2%); highest among the groups gnomAD compares: African/African-American, 3.7%; 61 homozygotes.

Submissions (3):

Labcorp Genetics (formerly Invitae), Labcorp
Classification: Benign for Encephalopathy, acute, infection-induced (herpes-specific), susceptibility to, 1. Last evaluated: 2026-01-11. Review status: criteria provided, single submitter. Criteria: Invitae Variant Classification Sherloc (09022015). Collection method: clinical testing. Allele origin: germline.

Mayo Clinic Laboratories, Mayo Clinic
Classification: Benign. Last evaluated: 2024-10-05. Review status: criteria provided, single submitter. Criteria: ACMG Guidelines, 2015. Collection method: clinical testing. Allele origin: germline. Observed: 1 variant allele.
Comment: BS1, BS2, BP4

Breakthrough Genomics
Classification: Benign. Review status: criteria provided, single submitter. Criteria: ACMG Guidelines, 2015. Collection method: not provided. Allele origin: germline. Inheritance: Autosomal dominant inheritance. Affected: yes.